The following is an entry in ClinVar:

ClinVar aggregate classification (germline): Uncertain significance (1 of 4 stars; one submission).

Submission:

GeneDx
Classification: Uncertain significance. Last evaluated: 2022-06-26. Review status: criteria provided, single submitter. Criteria: GeneDx Variant Classification Process June 2021. Collection method: clinical testing. Allele origin: germline. Affected: yes.
Comment: Not observed at significant frequency in large population cohorts (gnomAD); In silico analysis supports that this missense variant does not alter protein structure/function; Has not been previously published as pathogenic or benign to our knowledge

NM_021956.5(GRIK2):c.2626A>G (p.Lys876Glu)

Gene: GRIK2 (glutamate ionotropic receptor kainate type subunit 2; plus strand). Cytogenetic location: 6q16.3.
Variant type: single nucleotide variant.
Coding change: c.2626A>G on transcript NM_021956.5 (MANE Select); coding-DNA position 2626, A replaced by G.
Protein change: p.Lys876Glu; replaces lysine 876 with glutamic acid.
Molecular consequence: missense variant. On other transcripts: 3 prime UTR variant (2).
Genome position (GRCh38, 1-based): chr6:102,068,410, A>G. VCF-style: chr6-102068410-A-G. GRCh37 (hg19) VCF-style: chr6-102516285-A-G.
Other names: c.*79A>G (NM_001166247.1); c.*103A>G (NM_175768.3); short protein forms K876E.
Identifiers: ClinVar variation 1810122 (VCV001810122.1), dbSNP rs2485482854, ClinGen allele CA365310268.
Genomic context (GRCh38, chr6:102,068,410, plus strand): 5'-TCCTTCTGTAGTGCCATGGTAGAAGAATTGAGGATGTCCCTGAAGTGCCAGCGTCGGTTA[A>G]AACATAAGCCACAGGCCCCAGTTATTGTGAAAACAGAAGAAGTTATCAACATGCACACAT-3'
Protein context (NP_068775.1, residues 866-886): RMSLKCQRRL[Lys876Glu]HKPQAPVIVK